The following is an entry in ClinVar:

NM_022132.5(MCCC2):c.1663A>G (p.Lys555Glu)

Gene: MCCC2 (methylcrotonyl-CoA carboxylase subunit 2; plus strand). Cytogenetic location: 5q13.2.
Variant type: single nucleotide variant.
Coding change: c.1663A>G on transcript NM_022132.5 (MANE Select); coding-DNA position 1663, A replaced by G.
Protein change: p.Lys555Glu; replaces lysine 555 with glutamic acid.
Molecular consequence: missense variant.
Genome position (GRCh38, 1-based): chr5:71,656,831, A>G. VCF-style: chr5-71656831-A-G. GRCh37 (hg19) VCF-style: chr5-70952658-A-G.
Other names: c.1549A>G, p.Lys517Glu (NM_001363147.1); c.1663A>G (NM_022132.4); short protein forms K517E, K555E.
Identifiers: ClinVar variation 1011673 (VCV001011673.13), dbSNP rs1257849672, ClinGen allele CA360004743.

ClinVar aggregate classification (germline): Uncertain significance. Review status: criteria provided, multiple submitters, no conflicts (2 of 4 stars). 4 submissions from 4 submitters: Uncertain significance (3). 1 of the submissions does not count toward it. Last evaluated 2025-03-14.

Conditions:
MCCC2-related disorder. Also called: MCCC2-related condition.
3-methylcrotonyl-CoA carboxylase 2 deficiency. Also called: METHYLCROTONYLGLYCINURIA, TYPE II; 3 alpha methylcrotonyl-CoA carboxylase 2 deficiency; 3 alpha methylcrotonylglycinuria 2; MCC 2 deficiency; Methylcrotonylglycinuria type 2. Identifiers: Orphanet 6, MedGen C1859499, MONDO:0008862, OMIM 210210.

Allele frequency attached by ClinVar (database versions not stated): gnomAD exomes below 0.00001; gnomAD 0.00003 and 0.00004; TOPMed 0.00003.
gnomAD v4.1: 29 of 1,613,938 alleles (0.0018%); highest among the groups gnomAD compares: Non-Finnish European, 0.0021%; no homozygotes.

Submissions (4):

PreventionGenetics, part of Exact Sciences
Classification: Uncertain significance for MCCC2-related condition. Last evaluated: 2025-03-14. Review status: criteria provided, single submitter. Criteria: ACMG Guidelines, 2015. Collection method: clinical testing. Allele origin: germline.
Comment: The MCCC2 c.1663A>G variant is predicted to result in the amino acid substitution p.Lys555Glu. This variant has been reported along with a second pathogenic MCCC2 variant in an individual with 3-methylcrotonyl-CoA carboxylase deficiency (Stadler et al. 2006. PubMed ID: 16835865). This variant is reported in 0.0046% of alleles in individuals of European (Finnish) descent in gnomAD. At this time, the clinical significance of this variant is uncertain due to the absence of conclusive functional and genetic evidence.

Women's Health and Genetics/Laboratory Corporation of America, LabCorp
Classification: Uncertain significance. Last evaluated: 2022-02-10. Review status: criteria provided, single submitter. Criteria: LabCorp Variant Classification Summary - May 2015. Collection method: clinical testing. Allele origin: germline.
Comment: Variant summary: MCCC2 c.1663A>G (p.Lys555Glu) results in a conservative amino acid change located in the Acetyl-coenzyme A carboxyltransferase, C-terminal domain (IPR011763) of the encoded protein sequence. Four of five in-silico tools predict a benign effect of the variant on protein function. The variant allele was found at a frequency of 4e-06 in 251430 control chromosomes (gnomAD). The available data on variant occurrences in the general population are insufficient to allow any conclusion about variant significance. c.1663A>G has been reported in a mother with moderately elevated biochemical markers in the screening for MCCD, identified through her infant's newborn screening. The mother was compound heterozygous with a pathogenic variant but remained clinically asymptomatic (Stadler_2006). This report does not provide unequivocal conclusions about association of the variant with Methylcrotonyl-CoA Carboxylase Deficiency. To our knowledge, no experimental evidence demonstrating an impact on protein function has been reported. A ClinVar submitter (evaluation after 2014) cites the variant as uncertain significance. Based on the evidence outlined above, the variant was classified as uncertain significance.

Labcorp Genetics (formerly Invitae), Labcorp
Classification: Uncertain significance for 3-methylcrotonyl-CoA carboxylase 2 deficiency. Last evaluated: 2021-08-28. Review status: criteria provided, single submitter. Criteria: Invitae Variant Classification Sherloc (09022015). Collection method: clinical testing. Allele origin: germline.
Comment: This sequence change replaces lysine with glutamic acid at codon 555 of the MCCC2 protein (p.Lys555Glu). The lysine residue is moderately conserved and there is a small physicochemical difference between lysine and glutamic acid. This variant is not present in population databases (ExAC no frequency). This missense change has been observed in individuals with clinical features of 3-methylcrotonyl-CoA carboxylase deficiency (PMID: 16835865; Invitae). Algorithms developed to predict the effect of missense changes on protein structure and function (SIFT, PolyPhen-2, Align-GVGD) all suggest that this variant is likely to be tolerated. In summary, the available evidence is currently insufficient to determine the role of this variant in disease. Therefore, it has been classified as a Variant of Uncertain Significance.

Natera, Inc.
Classification: Uncertain significance for 3-methylcrotonyl-CoA carboxylase 2 deficiency. Last evaluated: 2021-02-02. Review status: no assertion criteria provided. Collection method: clinical testing. Allele origin: germline. Not counted in ClinVar's aggregate classification.

Literature cited by the submitters: PubMed 16835865 (cited by Women's Health and Genetics/Laboratory Corporation of America, LabCorp and Labcorp Genetics (formerly Invitae), Labcorp).